The following is an entry in ClinVar:

ClinVar aggregate classification (germline): Uncertain significance (1 of 4 stars; one submission).

Conditions:
Aniridia 1 (AN1). Identifiers: Orphanet 250923, MedGen C0344542, MONDO:0024507, OMIM 106210.
Irido-corneo-trabecular dysgenesis (ASGD5). Also called: ANTERIOR SEGMENT DYSGENESIS 5. Identifiers: Orphanet 708, MedGen C0344559, MONDO:0011414, OMIM 604229, HP:0000659.

Submission:

Labcorp Genetics (formerly Invitae), Labcorp
Classification: Uncertain significance for Aniridia 1; Irido-corneo-trabecular dysgenesis. Last evaluated: 2024-05-29. Review status: criteria provided, single submitter. Criteria: Invitae Variant Classification Sherloc (09022015). Collection method: clinical testing. Allele origin: germline.
Comment: This sequence change replaces serine, which is neutral and polar, with isoleucine, which is neutral and non-polar, at codon 119 of the PAX6 protein (p.Ser119Ile). This variant is not present in population databases (gnomAD no frequency). This missense change has been observed in individuals with PAX6-related ocular phenotypes (PMID: 33782094, 34065151). This variant is also known as c.398G>T (p.Ser133Ile). An algorithm developed to predict the effect of missense changes on protein structure and function (PolyPhen-2) suggests that this variant is likely to be disruptive. This variant disrupts the p.Ser119 amino acid residue in PAX6. Other variant(s) that disrupt this residue have been observed in individuals with PAX6-related conditions (PMID: 11553050, 33594928), which suggests that this may be a clinically significant amino acid residue. In summary, the available evidence is currently insufficient to determine the role of this variant in disease. Therefore, it has been classified as a Variant of Uncertain Significance.

Literature cited by the submitters: PubMed 33782094; PubMed 34065151; PubMed 11553050; PubMed 33594928.

NM_001368894.2(PAX6):c.398G>T (p.Ser133Ile)

Gene: PAX6 (paired box 6; minus strand). Cytogenetic location: 11p13.
Variant type: single nucleotide variant.
Coding change: c.398G>T on transcript NM_001368894.2 (MANE Select); coding-DNA position 398, G replaced by T.
Protein change: p.Ser133Ile; replaces serine 133 with isoleucine.
Molecular consequence: missense variant. On other transcripts: 5 prime UTR variant (14), non-coding transcript variant (2), intron variant (8).
Genome position (GRCh38, 1-based): chr11:31,801,562, C>A on the plus strand (G>T on the coding strand, the complement: PAX6 is on the minus strand). VCF-style: chr11-31801562-C-A. GRCh37 (hg19) VCF-style: chr11-31823110-C-A.
Other names: c.356G>T, p.Ser119Ile (NM_000280.6, NM_001127612.3, NM_001258464.2 and 10 more transcripts); c.398G>T, p.Ser133Ile (NM_001258462.3, NM_001258463.2, NM_001310158.2 and 6 more transcripts); c.-384G>T (NM_001310160.2, NM_001368902.2, NM_001368905.2); c.-53G>T (NM_001310161.3, NM_001368899.2, NM_001368900.2 and 8 more transcripts); c.599G>T, p.Ser200Ile (NM_001368910.2); c.401G>T, p.Ser134Ile (NM_001368911.2); c.473G>T, p.Ser158Ile (NM_001368918.2, NM_001368919.2); c.431G>T, p.Ser144Ile (NM_001368920.2); and 2 more; short protein forms S119I, S133I, S134I, S144I, S158I, S200I.
Identifiers: ClinVar variation 3749637 (VCV003749637.2).